The following is an entry in ClinVar:

NM_002317.7(LOX):c.296C>G (p.Thr99Ser)

Genes: LOX (lysyl oxidase; minus strand), SRFBP1 (serum response factor binding protein 1; plus strand). Cytogenetic location: 5q23.1.
Variant type: single nucleotide variant.
Coding change: c.296C>G on transcript NM_002317.7 (MANE Select); coding-DNA position 296, C replaced by G.
Protein change: p.Thr99Ser; replaces threonine 99 with serine.
Molecular consequence: missense variant.
Genome position (GRCh38, 1-based): chr5:122,077,690, G>C on the plus strand (C>G on the coding strand, the complement: LOX is on the minus strand). VCF-style: chr5-122077690-G-C. GRCh37 (hg19) VCF-style: chr5-121413385-G-C.
Other names: short protein forms T99S.
Identifiers: ClinVar variation 2034684 (VCV002034684.4), dbSNP rs2532917300, ClinGen allele CA360877043.

ClinVar aggregate classification (germline): Uncertain significance (1 of 4 stars; one submission).

Allele frequency attached by ClinVar (database versions not stated): gnomAD exomes below 0.00001.
gnomAD v4.1: 1 of 1,599,224 alleles (0.000063%); highest among the groups gnomAD compares: East Asian, 0.0022%; no homozygotes.

Submission:

Labcorp Genetics (formerly Invitae), Labcorp
Classification: Uncertain significance. Last evaluated: 2022-10-10. Review status: criteria provided, single submitter. Criteria: Invitae Variant Classification Sherloc (09022015). Collection method: clinical testing. Allele origin: germline.
Comment: This sequence change replaces threonine, which is neutral and polar, with serine, which is neutral and polar, at codon 99 of the LOX protein (p.Thr99Ser). This variant is not present in population databases (gnomAD no frequency). This variant has not been reported in the literature in individuals affected with LOX-related conditions. Advanced modeling of protein sequence and biophysical properties (such as structural, functional, and spatial information, amino acid conservation, physicochemical variation, residue mobility, and thermodynamic stability) performed at Invitae indicates that this missense variant is not expected to disrupt LOX protein function. In summary, the available evidence is currently insufficient to determine the role of this variant in disease. Therefore, it has been classified as a Variant of Uncertain Significance.